The following is an entry in ClinVar:

ClinVar aggregate classification (germline): Uncertain significance (1 of 4 stars; one submission).

Conditions:
Duchenne muscular dystrophy (DMD). Also called: MUSCULAR DYSTROPHY, PSEUDOHYPERTROPHIC PROGRESSIVE, DUCHENNE TYPE; Duchenne Muscular Dystrophy (DMD). Identifiers: Orphanet 98896, MedGen C0013264, MONDO:0010679, OMIM 310200.

gnomAD v4.1: 1 of 1,207,462 alleles (0.000083%); highest among the groups gnomAD compares: Non-Finnish European, 0.00011%; no homozygotes.

Submission:

Labcorp Genetics (formerly Invitae), Labcorp
Classification: Uncertain significance for Duchenne muscular dystrophy. Last evaluated: 2025-02-12. Review status: criteria provided, single submitter. Criteria: Invitae Variant Classification Sherloc (09022015). Collection method: clinical testing. Allele origin: germline.
Comment: This sequence change replaces aspartic acid, which is acidic and polar, with valine, which is neutral and non-polar, at codon 1165 of the DMD protein (p.Asp1165Val). This variant is not present in population databases (gnomAD no frequency). This variant has not been reported in the literature in individuals affected with DMD-related conditions. Invitae Evidence Modeling of protein sequence and biophysical properties (such as structural, functional, and spatial information, amino acid conservation, physicochemical variation, residue mobility, and thermodynamic stability) indicates that this missense variant is not expected to disrupt DMD protein function with a negative predictive value of 95%. In summary, the available evidence is currently insufficient to determine the role of this variant in disease. Therefore, it has been classified as a Variant of Uncertain Significance.

NM_004006.3(DMD):c.3494A>T (p.Asp1165Val)

Gene: DMD (dystrophin; minus strand). Cytogenetic location: Xp21.1.
Variant type: single nucleotide variant.
Coding change: c.3494A>T on transcript NM_004006.3 (MANE Select); coding-DNA position 3494, A replaced by T.
Protein change: p.Asp1165Val; replaces aspartic acid 1165 with valine.
Molecular consequence: missense variant.
Genome position (GRCh38, 1-based): chrX:32,454,771, T>A on the plus strand (A>T on the coding strand, the complement: DMD is on the minus strand). VCF-style: chrX-32454771-T-A. GRCh37 (hg19) VCF-style: chrX-32472888-T-A.
Other names: c.3470A>T, p.Asp1157Val (NM_000109.4); c.3482A>T, p.Asp1161Val (NM_004009.3); c.3125A>T, p.Asp1042Val (NM_004010.3); short protein forms D1161V, D1157V, D1042V, D1165V.
Identifiers: ClinVar variation 4739321 (VCV004739321.1).